The following is an entry in ClinVar:

NM_004589.4(SCO1):c.38G>A (p.Arg13Gln)

Genes: SCO1 (synthesis of cytochrome C oxidase 1; minus strand), LOC112529895 (Sharpr-MPRA regulatory region 5903; plus strand). Cytogenetic location: 17p13.1.
Variant type: single nucleotide variant.
Coding change: c.38G>A on transcript NM_004589.4 (MANE Select); coding-DNA position 38, G replaced by A.
Protein change: p.Arg13Gln; replaces arginine 13 with glutamine.
Molecular consequence: missense variant.
Genome position (GRCh38, 1-based): chr17:10,697,470, C>T on the plus strand (G>A on the coding strand, the complement: SCO1 is on the minus strand). VCF-style: chr17-10697470-C-T. GRCh37 (hg19) VCF-style: chr17-10600787-C-T.
Other names: short protein forms R13Q.
Identifiers: ClinVar variation 1381385 (VCV001381385.3), dbSNP rs2151459577, ClinGen allele CA398135424.

ClinVar aggregate classification (germline): Uncertain significance (1 of 4 stars; one submission).

gnomAD v4.1: 1 of 1,613,450 alleles (0.000062%); highest among the groups gnomAD compares: Non-Finnish European, 0.000085%; no homozygotes.

Submission:

Labcorp Genetics (formerly Invitae), Labcorp
Classification: Uncertain significance. Last evaluated: 2022-03-09. Review status: criteria provided, single submitter. Criteria: Invitae Variant Classification Sherloc (09022015). Collection method: clinical testing. Allele origin: germline.
Comment: This sequence change replaces arginine, which is basic and polar, with glutamine, which is neutral and polar, at codon 13 of the SCO1 protein (p.Arg13Gln). This variant is not present in population databases (gnomAD no frequency). This variant has not been reported in the literature in individuals affected with SCO1-related conditions. Algorithms developed to predict the effect of missense changes on protein structure and function output the following: SIFT: "Tolerated"; PolyPhen-2: "Benign"; Align-GVGD: "Class C0". The glutamine amino acid residue is found in multiple mammalian species, which suggests that this missense change does not adversely affect protein function. In summary, the available evidence is currently insufficient to determine the role of this variant in disease. Therefore, it has been classified as a Variant of Uncertain Significance.